The following is an entry in ClinVar:

ClinVar aggregate classification (germline): Uncertain significance (1 of 4 stars; one submission).

Conditions:
Intellectual developmental disorder 61. Also called: INTELLECTUAL DEVELOPMENTAL DISORDER, AUTOSOMAL DOMINANT 61; MENTAL RETARDATION, AUTOSOMAL DOMINANT 61. Identifiers: MedGen C5231400, MONDO:0032485, OMIM 618009.

Submission:

Centre for Mendelian Genomics, University Medical Centre Ljubljana
Classification: Uncertain significance for Intellectual developmental disorder 61. Last evaluated: 2018-11-28. Review status: criteria provided, single submitter. Criteria: ACMG Guidelines, 2015. Collection method: clinical testing. Allele origin: unknown. Affected: yes.
Comment: This variant was classified as: Uncertain significance. The available evidence on this variant's pathogenicity is insufficient or conflicting. The following ACMG criteria were applied in classifying this variant: PM2,PP3.

NM_005121.3(MED13):c.1825G>T (p.Asp609Tyr)

Gene: MED13 (mediator complex subunit 13; minus strand). Cytogenetic location: 17q23.2.
Variant type: single nucleotide variant.
Coding change: c.1825G>T on transcript NM_005121.3 (MANE Select); coding-DNA position 1825, G replaced by T.
Protein change: p.Asp609Tyr; replaces aspartic acid 609 with tyrosine.
Molecular consequence: missense variant.
Genome position (GRCh38, 1-based): chr17:62,010,692, C>A on the plus strand (G>T on the coding strand, the complement: MED13 is on the minus strand). VCF-style: chr17-62010692-C-A. GRCh37 (hg19) VCF-style: chr17-60088053-C-A.
Other names: short protein forms D609Y.
Identifiers: ClinVar variation 931325 (VCV000931325.3), dbSNP rs2080498838, ClinGen allele CA400517961.